The following is an entry in ClinVar:

ClinVar aggregate classification (germline): Uncertain significance (1 of 4 stars; one submission).

Conditions:
NPHP1-related disorder. Also called: NPHP1-related condition; NPHP1-related disorders.

Submission:

PreventionGenetics, part of Exact Sciences
Classification: Uncertain significance for NPHP1-related condition. Last evaluated: 2025-04-09. Review status: criteria provided, single submitter. Criteria: ACMG Guidelines, 2015. Collection method: clinical testing. Allele origin: germline.
Comment: The NPHP1 c.688G>A variant is predicted to result in the amino acid substitution p.Ala230Thr. To our knowledge, this variant has not been reported in the literature or in a large population database (gnomAD), indicating this variant is rare. At this time, the clinical significance of this variant is uncertain due to the absence of conclusive functional and genetic evidence.

NM_001128178.3(NPHP1):c.688G>A (p.Ala230Thr)

Gene: NPHP1 (nephrocystin 1; minus strand). Cytogenetic location: 2q13.
Variant type: single nucleotide variant.
Coding change: c.688G>A on transcript NM_001128178.3 (MANE Select); coding-DNA position 688, G replaced by A.
Protein change: p.Ala230Thr; replaces alanine 230 with threonine.
Molecular consequence: missense variant.
Genome position (GRCh38, 1-based): chr2:110,165,092, C>T on the plus strand (G>A on the coding strand, the complement: NPHP1 is on the minus strand). VCF-style: chr2-110165092-C-T. GRCh37 (hg19) VCF-style: chr2-110922669-C-T.
Other names: c.688G>A, p.Ala230Thr (NM_000272.5, NM_001374256.1, NM_001374257.1 and 1 more transcripts); c.502G>A, p.Ala168Thr (NM_001128179.3); short protein forms A168T, A230T.
Identifiers: ClinVar variation 4999213 (VCV004999213.1).